The following is an entry in ClinVar:

NM_004523.4(KIF11):c.1522A>G (p.Lys508Glu)

Gene: KIF11 (kinesin family member 11; plus strand). Cytogenetic location: 10q23.33.
Variant type: single nucleotide variant.
Coding change: c.1522A>G on transcript NM_004523.4 (MANE Select); coding-DNA position 1522, A replaced by G.
Protein change: p.Lys508Glu; replaces lysine 508 with glutamic acid.
Molecular consequence: missense variant.
Genome position (GRCh38, 1-based): chr10:92,632,513, A>G. VCF-style: chr10-92632513-A-G. GRCh37 (hg19) VCF-style: chr10-94392270-A-G.
Other names: c.1522A>G (NM_004523.3); short protein forms K508E.
Identifiers: ClinVar variation 999447 (VCV000999447.7), dbSNP rs1433746785, ClinGen allele CA377592089.

ClinVar aggregate classification (germline): Uncertain significance. Review status: criteria provided, multiple submitters, no conflicts (2 of 4 stars). 2 submissions from 2 submitters: Uncertain significance (2). Last evaluated 2025-05-21.

Conditions:
KIF11-related disorder. Also called: KIF11-related condition.

Allele frequency attached by ClinVar (database versions not stated): gnomAD exomes 0.00002; TOPMed 0.00002; gnomAD 0.00003.
gnomAD v4.1: 31 of 1,612,266 alleles (0.0019%); highest among the groups gnomAD compares: Non-Finnish European, 0.0025%; no homozygotes.

Submissions (2):

PreventionGenetics, part of Exact Sciences
Classification: Uncertain significance for KIF11-related condition. Last evaluated: 2025-05-21. Review status: criteria provided, single submitter. Criteria: ACMG Guidelines, 2015. Collection method: clinical testing. Allele origin: germline.
Comment: The KIF11 c.1522A>G variant is predicted to result in the amino acid substitution p.Lys508Glu. To our knowledge, this variant has not been reported in the literature or in a large population database (gnomAD), indicating this variant is rare. At this time, the clinical significance of this variant is uncertain due to the absence of conclusive functional and genetic evidence.

Labcorp Genetics (formerly Invitae), Labcorp
Classification: Uncertain significance. Last evaluated: 2024-12-02. Review status: criteria provided, single submitter. Criteria: Invitae Variant Classification Sherloc (09022015). Collection method: clinical testing. Allele origin: germline.
Comment: This sequence change replaces lysine, which is basic and polar, with glutamic acid, which is acidic and polar, at codon 508 of the KIF11 protein (p.Lys508Glu). This variant is not present in population databases (gnomAD no frequency). This variant has not been reported in the literature in individuals affected with KIF11-related conditions. ClinVar contains an entry for this variant (Variation ID: 999447). Invitae Evidence Modeling of protein sequence and biophysical properties (such as structural, functional, and spatial information, amino acid conservation, physicochemical variation, residue mobility, and thermodynamic stability) indicates that this missense variant is not expected to disrupt KIF11 protein function with a negative predictive value of 95%. In summary, the available evidence is currently insufficient to determine the role of this variant in disease. Therefore, it has been classified as a Variant of Uncertain Significance.